The following is an entry in ClinVar:

NM_004667.6(HERC2):c.6703C>T (p.Arg2235Cys)

Gene: HERC2 (HECT and RLD domain containing E3 ubiquitin protein ligase 2; minus strand). Cytogenetic location: 15q13.1.
Variant type: single nucleotide variant.
Coding change: c.6703C>T on transcript NM_004667.6 (MANE Select); coding-DNA position 6703, C replaced by T.
Protein change: p.Arg2235Cys; replaces arginine 2235 with cysteine.
Molecular consequence: missense variant.
Genome position (GRCh38, 1-based): chr15:28,213,825, G>A on the plus strand (C>T on the coding strand, the complement: HERC2 is on the minus strand). VCF-style: chr15-28213825-G-A. GRCh37 (hg19) VCF-style: chr15-28458971-G-A.
Other names: short protein forms R2235C.
Identifiers: ClinVar variation 3253550 (VCV003253550.1), dbSNP rs751884727.

ClinVar aggregate classification (germline): Uncertain significance (1 of 4 stars; one submission).

Allele frequency attached by ClinVar (database versions not stated): gnomAD 0.00002; gnomAD exomes 0.00002; TOPMed 0.00002; ExAC 0.00012.
gnomAD v4.1: 40 of 1,613,880 alleles (0.0025%); highest among the groups gnomAD compares: Admixed American, 0.037%; no homozygotes.

Submission:

GeneDx
Classification: Uncertain significance. Last evaluated: 2024-02-08. Review status: criteria provided, single submitter. Criteria: GeneDx Variant Classification Process June 2021. Collection method: clinical testing. Allele origin: germline. Affected: yes.
Comment: In silico analysis supports that this missense variant has a deleterious effect on protein structure/function; Has not been previously published as pathogenic or benign to our knowledge